The following is an entry in ClinVar:

NM_001378609.3(OTOGL):c.4350T>C (p.Val1450=)

Gene: OTOGL (otogelin like; plus strand). Cytogenetic location: 12q21.31.
Variant type: single nucleotide variant.
Coding change: c.4350T>C on transcript NM_001378609.3 (MANE Select); coding-DNA position 4350, T replaced by C.
Protein change: p.Val1450=; no amino-acid change (valine 1450 retained).
Molecular consequence: synonymous variant.
Genome position (GRCh38, 1-based): chr12:80,333,006, T>C. VCF-style: chr12-80333006-T-C. GRCh37 (hg19) VCF-style: chr12-80726786-T-C.
Other names: c.4215T>C, p.Val1405= (NM_001368062.3); c.4350T>C, p.Val1450= (NM_001378610.3, NM_173591.7).
Identifiers: ClinVar variation 3039387 (VCV003039387.2), dbSNP rs761679250, ClinGen allele CA6701363.
Genomic context (GRCh38, chr12:80,333,006, plus strand): 5'-CAATTCCATGCAAGATAAATGCATTCCACTAATGAGGATTACTTTTTCATTTCTGACAGT[T>C]TGGGAAATGATTACTCCATCAGACATCACTGTGTTTGATATGCTAACACCAACTACAGGC-3'
Protein context (NP_001365538.2, residues 1440-1460): PAKPTVPMFT[Val1450=]WEMITPSDIT

ClinVar aggregate classification (germline): Likely benign (0 of 4 stars; one submission).

Conditions:
OTOGL-related disorder. Also called: OTOGL-related condition.

Allele frequency attached by ClinVar (database versions not stated): gnomAD exomes 0.00001; TOPMed 0.00001; ExAC 0.00005.
gnomAD v4.1: 11 of 1,590,036 alleles (0.00069%); highest among the groups gnomAD compares: South Asian, 0.01%; no homozygotes.

Submission:

PreventionGenetics, part of Exact Sciences
Classification: Likely benign for OTOGL-related condition. Last evaluated: 2019-05-20. Review status: no assertion criteria provided. Collection method: clinical testing. Allele origin: germline.
Comment: This variant is classified as likely benign based on ACMG/AMP sequence variant interpretation guidelines (Richards et al. 2015 PMID: 25741868, with internal and published modifications).